The following is an entry in ClinVar:

NM_005051.3(QARS1):c.253C>A (p.Pro85Thr)

Gene: QARS1 (glutaminyl-tRNA synthetase 1; minus strand). Cytogenetic location: 3p21.31.
Variant type: single nucleotide variant.
Coding change: c.253C>A on transcript NM_005051.3 (MANE Select); coding-DNA position 253, C replaced by A.
Protein change: p.Pro85Thr; replaces proline 85 with threonine.
Molecular consequence: missense variant. On other transcripts: intron variant (1).
Genome position (GRCh38, 1-based): chr3:49,104,336, G>T on the plus strand (C>A on the coding strand, the complement: QARS1 is on the minus strand). VCF-style: chr3-49104336-G-T. GRCh37 (hg19) VCF-style: chr3-49141769-G-T.
Other names: c.232+21C>A (NM_001272073.2); short protein forms P85T.
Identifiers: ClinVar variation 1507518 (VCV001507518.8), dbSNP rs1264945460, ClinGen allele CA352722388.

ClinVar aggregate classification (germline): Uncertain significance (1 of 4 stars; one submission).

Conditions:
Diffuse cerebral and cerebellar atrophy - intractable seizures - progressive microcephaly syndrome. Also called: Microcephaly, progressive, with seizures and cerebral and cerebellar atrophy. Identifiers: Orphanet 404437, MedGen C4014239, MONDO:0014335, OMIM 615760.

Allele frequency attached by ClinVar (database versions not stated): gnomAD exomes below 0.00001; gnomAD 0.00001.
gnomAD v4.1: 2 of 1,614,046 alleles (0.00012%); highest among the groups gnomAD compares: Non-Finnish European, 0.00017%; no homozygotes.

Submission:

Labcorp Genetics (formerly Invitae), Labcorp
Classification: Uncertain significance for Diffuse cerebral and cerebellar atrophy - intractable seizures - progressive microcephaly syndrome. Last evaluated: 2021-07-25. Review status: criteria provided, single submitter. Criteria: Invitae Variant Classification Sherloc (09022015). Collection method: clinical testing. Allele origin: germline.
Comment: In summary, the available evidence is currently insufficient to determine the role of this variant in disease. Therefore, it has been classified as a Variant of Uncertain Significance. Algorithms developed to predict the effect of missense changes on protein structure and function output the following: SIFT: "Tolerated"; PolyPhen-2: "Benign"; Align-GVGD: "Class C0". The threonine amino acid residue is found in multiple mammalian species, which suggests that this missense change does not adversely affect protein function. This variant has not been reported in the literature in individuals affected with QARS-related conditions. This variant is not present in population databases (ExAC no frequency). This sequence change replaces proline with threonine at codon 85 of the QARS protein (p.Pro85Thr). The proline residue is weakly conserved and there is a small physicochemical difference between proline and threonine.